The following is an entry in ClinVar:

ClinVar aggregate classification (germline): Likely benign. Review status: criteria provided, single submitter (1 of 4 stars). 3 submissions from 3 submitters: Likely benign (1). 2 of the submissions do not count toward it. Last evaluated 2026-01-18.

Conditions:
AGPS-related disorder. Also called: AGPS-related condition.
Rhizomelic chondrodysplasia punctata type 3 (RCDP3). Also called: ALKYLDIHYDROXYACETONEPHOSPHATE SYNTHASE DEFICIENCY; Alkylglycerone Phosphate Synthase (AGPS) deficiency. Identifiers: Orphanet 177, Orphanet 309803, MedGen C1838612, MONDO:0010823, OMIM 600121. Disease mechanism: loss of function.

Allele frequency attached by ClinVar (database versions not stated): ExAC 0.00008; ESP Exome Variant Server 0.00008; gnomAD 0.00009; gnomAD exomes 0.00009; TOPMed 0.00014; 1000 Genomes Project 30x 0.00016; 1000 Genomes Project 0.00020.
gnomAD v4.1: 146 of 1,611,866 alleles (0.0091%); highest among the groups gnomAD compares: Middle Eastern, 0.036%; no homozygotes.

Submissions (3):

Labcorp Genetics (formerly Invitae), Labcorp
Classification: Likely benign. Last evaluated: 2026-01-18. Review status: criteria provided, single submitter. Criteria: Invitae Variant Classification Sherloc (09022015). Collection method: clinical testing. Allele origin: germline.

Natera, Inc.
Classification: Uncertain significance for Rhizomelic chondrodysplasia punctata, type 3. Last evaluated: 2020-03-11. Review status: no assertion criteria provided. Collection method: clinical testing. Allele origin: germline. Not counted in ClinVar's aggregate classification.

PreventionGenetics, part of Exact Sciences
Classification: Likely benign for AGPS-related condition. Last evaluated: 2019-02-27. Review status: no assertion criteria provided. Collection method: clinical testing. Allele origin: germline. Not counted in ClinVar's aggregate classification.
Comment: This variant is classified as likely benign based on ACMG/AMP sequence variant interpretation guidelines (Richards et al. 2015 PMID: 25741868, with internal and published modifications).

NM_003659.4(AGPS):c.1029T>C (p.Gly343=)

Gene: AGPS (alkylglycerone phosphate synthase; plus strand). Cytogenetic location: 2q31.2.
Variant type: single nucleotide variant.
Coding change: c.1029T>C on transcript NM_003659.4 (MANE Select); coding-DNA position 1029, T replaced by C.
Protein change: p.Gly343=; no amino-acid change (glycine 343 retained).
Molecular consequence: synonymous variant.
Genome position (GRCh38, 1-based): chr2:177,468,448, T>C. VCF-style: chr2-177468448-T-C. GRCh37 (hg19) VCF-style: chr2-178333176-T-C.
Identifiers: ClinVar variation 740034 (VCV000740034.14), dbSNP rs368667324, ClinGen allele CA1980210.